The following is an entry in ClinVar:

NM_001042492.3(NF1):c.6643G>T (p.Ala2215Ser)

Gene: NF1 (neurofibromin 1; plus strand). Cytogenetic location: 17q11.2.
Variant type: single nucleotide variant.
Coding change: c.6643G>T on transcript NM_001042492.3 (MANE Select); coding-DNA position 6643, G replaced by T.
Protein change: p.Ala2215Ser; replaces alanine 2215 with serine.
Molecular consequence: missense variant.
Genome position (GRCh38, 1-based): chr17:31,337,819, G>T. VCF-style: chr17-31337819-G-T. GRCh37 (hg19) VCF-style: chr17-29664837-G-T.
Other names: c.6580G>T, p.Ala2194Ser (NM_000267.4); short protein forms A2194S, A2215S.
Identifiers: ClinVar variation 3879080 (VCV003879080.1).
Genomic context (GRCh38, chr17:31,337,819, plus strand): 5'-ATTTAAACAGTTCTAAAAACATTTATGTACAATATGTATTCAGAGTATCCCCTTTTTTAG[G>T]CATGCATGAGAGATATTCCAACGTGCAAGTGGCTGGACCAGTGGACAGAACTAGCTCAAA-3'
Protein context (NP_001035957.1, residues 2205-2225): VTEALLEIME[Ala2215Ser]CMRDIPTCKW

ClinVar aggregate classification (germline): Uncertain significance (1 of 4 stars; one submission).

Conditions:
Cardiovascular phenotype. Identifiers: MedGen CN230736.
Hereditary cancer-predisposing syndrome. Also called: Tumor predisposition; Neoplastic Syndromes, Hereditary; Hereditary Cancer Syndrome; Hereditary neoplastic syndrome. Identifiers: Orphanet 140162, MedGen C0027672, MeSH D009386, MONDO:0015356.

Submission:

Ambry Genetics
Classification: Uncertain significance for Cardiovascular phenotype; Hereditary cancer-predisposing syndrome. Last evaluated: 2025-01-23. Review status: criteria provided, single submitter. Criteria: Ambry Variant Classification Scheme 2023. Collection method: clinical testing. Allele origin: germline.
Comment: The p.A2194S variant (also known as c.6580G>T) is located in coding exon 43 of the NF1 gene. The alanine at codon 2194 is replaced by serine, an amino acid with similar properties. This change occurs in the first base pair of coding exon 43. This amino acid position is conserved. In addition, the in silico prediction for this alteration is inconclusive. Based on the available evidence, the clinical significance of this variant remains unclear.